The following is an entry in ClinVar:

ClinVar aggregate classification (germline): Uncertain significance (1 of 4 stars; one submission).

Conditions:
Hereditary cancer-predisposing syndrome. Also called: Hereditary neoplastic syndrome; Neoplastic Syndromes, Hereditary; Tumor predisposition; Hereditary Cancer Syndrome. Identifiers: Orphanet 140162, MedGen C0027672, MeSH D009386, MONDO:0015356.

Submission:

Ambry Genetics
Classification: Uncertain significance for Hereditary cancer-predisposing syndrome. Last evaluated: 2019-11-27. Review status: criteria provided, single submitter. Criteria: Ambry Variant Classification Scheme 2023. Collection method: clinical testing. Allele origin: germline.
Comment: The p.C2991S variant (also known as c.8971T>A), located in coding exon 61 of the ATM gene, results from a T to A substitution at nucleotide position 8971. The cysteine at codon 2991 is replaced by serine, an amino acid with dissimilar properties. This amino acid position is not well conserved in available vertebrate species. In addition, this alteration is predicted to be tolerated by in silico analysis. Since supporting evidence is limited at this time, the clinical significance of this alteration remains unclear.

NM_000051.4(ATM):c.8971T>A (p.Cys2991Ser)

Genes: ATM (ATM serine/threonine kinase; plus strand), C11orf65 (chromosome 11 open reading frame 65; minus strand). Cytogenetic location: 11q22.3.
Variant type: single nucleotide variant.
Coding change: c.8971T>A on transcript NM_000051.4 (MANE Select); coding-DNA position 8971, T replaced by A.
Protein change: p.Cys2991Ser; replaces cysteine 2991 with serine.
Molecular consequence: missense variant. On other transcripts: intron variant (2).
Genome position (GRCh38, 1-based): chr11:108,365,202, T>A. VCF-style: chr11-108365202-T-A. GRCh37 (hg19) VCF-style: chr11-108235929-T-A.
Other names: c.8971T>A, p.Cys2991Ser (NM_001351834.2); c.640+20718A>T (NM_001330368.2); c.694+20718A>T (NM_001351110.2); short protein forms C2991S.
Identifiers: ClinVar variation 1765287 (VCV001765287.2), dbSNP rs1591385376, ClinGen allele CA382530372.